The following is an entry in ClinVar:

NM_001082971.2(DDC):c.1286G>A (p.Ser429Asn)

Gene: DDC (dopa decarboxylase; minus strand). Cytogenetic location: 7p12.2.
Variant type: single nucleotide variant.
Coding change: c.1286G>A on transcript NM_001082971.2 (MANE Select); coding-DNA position 1286, G replaced by A.
Protein change: p.Ser429Asn; replaces serine 429 with asparagine.
Molecular consequence: missense variant.
Genome position (GRCh38, 1-based): chr7:50,463,388, C>T on the plus strand (G>A on the coding strand, the complement: DDC is on the minus strand). VCF-style: chr7-50463388-C-T. GRCh37 (hg19) VCF-style: chr7-50531086-C-T.
Other names: c.1286G>A, p.Ser429Asn (NM_000790.4); c.1172G>A, p.Ser391Asn (NM_001242886.2); c.1142G>A, p.Ser381Asn (NM_001242887.2); c.1052G>A, p.Ser351Asn (NM_001242888.2); c.1007G>A, p.Ser336Asn (NM_001242889.2); short protein forms S336N, S351N, S381N, S391N, S429N.
Identifiers: ClinVar variation 1468829 (VCV001468829.6), dbSNP rs2153533017, ClinGen allele CA367528276.
Genomic context (GRCh38, chr7:50,463,388, plus strand): 5'-GCAAAGCGCAGGACAAACTTGTCCCTGAGGTGACATGGAACCAAGTGGATTTTTTTGGCA[C>T]TGTTTATTCTTTGCAGAAGAGCTTCATTCACTTTGTTGGAACCCTGGAGGGATTGAAAGA-3'
Protein context (NP_001076440.2, residues 419-439): VNEALLQRIN[Ser429Asn]AKKIHLVPCH

ClinVar aggregate classification (germline): Uncertain significance (1 of 4 stars; one submission).

Conditions:
Deficiency of aromatic-L-amino-acid decarboxylase. Also called: Aromatic amino acid decarboxylase deficiency; Aromatic L-Amino Acid Decarboxylase Deficiency; DDC DEFICIENCY; DOPA DECARBOXYLASE DEFICIENCY; AADC DEFICIENCY. Identifiers: Orphanet 35708, MedGen C1291564, MONDO:0012084, OMIM 608643.

Submission:

Labcorp Genetics (formerly Invitae), Labcorp
Classification: Uncertain significance for Deficiency of aromatic-L-amino-acid decarboxylase. Last evaluated: 2021-09-15. Review status: criteria provided, single submitter. Criteria: Invitae Variant Classification Sherloc (09022015). Collection method: clinical testing. Allele origin: germline.
Comment: This sequence change replaces serine with asparagine at codon 429 of the DDC protein (p.Ser429Asn). The serine residue is moderately conserved and there is a small physicochemical difference between serine and asparagine. This variant is not present in population databases (ExAC no frequency). This variant has not been reported in the literature in individuals affected with DDC-related conditions. Algorithms developed to predict the effect of missense changes on protein structure and function output the following: SIFT: "Tolerated"; PolyPhen-2: "Benign"; Align-GVGD: "Class C0". The asparagine amino acid residue is found in multiple mammalian species, which suggests that this missense change does not adversely affect protein function. In summary, the available evidence is currently insufficient to determine the role of this variant in disease. Therefore, it has been classified as a Variant of Uncertain Significance.